The following is an entry in ClinVar:

ClinVar aggregate classification (germline): Uncertain significance. Review status: criteria provided, multiple submitters, no conflicts (2 of 4 stars). 3 submissions from 3 submitters: Uncertain significance (2). 1 of the submissions does not count toward it. Last evaluated 2021-10-21.

Conditions:
Lysinuric protein intolerance (LPI). Identifiers: Orphanet 470, MedGen C0268647, MONDO:0009109, OMIM 222700.

Allele frequency attached by ClinVar (database versions not stated): gnomAD exomes below 0.00001; ExAC 0.00001; gnomAD 0.00001; TOPMed 0.00001.
gnomAD v4.1: 4 of 1,613,930 alleles (0.00025%); highest among the groups gnomAD compares: African/African-American, 0.0027%; no homozygotes.

Submissions (3):

Fulgent Genetics
Classification: Uncertain significance for Lysinuric protein intolerance. Last evaluated: 2021-10-21. Review status: criteria provided, single submitter. Criteria: ACMG Guidelines, 2015. Collection method: clinical testing. Allele origin: unknown.

Labcorp Genetics (formerly Invitae), Labcorp
Classification: Uncertain significance for Lysinuric protein intolerance. Last evaluated: 2021-08-31. Review status: criteria provided, single submitter. Criteria: Invitae Variant Classification Sherloc (09022015). Collection method: clinical testing. Allele origin: germline.
Comment: This sequence change replaces isoleucine with valine at codon 397 of the SLC7A7 protein (p.Ile397Val). The isoleucine residue is moderately conserved and there is a small physicochemical difference between isoleucine and valine. This variant is present in population databases (rs756936473, ExAC 0.006%). This variant has not been reported in the literature in individuals affected with SLC7A7-related conditions. Algorithms developed to predict the effect of missense changes on protein structure and function (SIFT, PolyPhen-2, Align-GVGD) all suggest that this variant is likely to be tolerated. In summary, the available evidence is currently insufficient to determine the role of this variant in disease. Therefore, it has been classified as a Variant of Uncertain Significance.

Natera, Inc.
Classification: Uncertain significance for Lysinuric protein intolerance. Last evaluated: 2020-09-16. Review status: no assertion criteria provided. Collection method: clinical testing. Allele origin: germline. Not counted in ClinVar's aggregate classification.

NM_003982.4(SLC7A7):c.1189A>G (p.Ile397Val)

Gene: SLC7A7 (solute carrier family 7 member 7; minus strand). Cytogenetic location: 14q11.2.
Variant type: single nucleotide variant.
Coding change: c.1189A>G on transcript NM_003982.4 (MANE Select); coding-DNA position 1189, A replaced by G.
Protein change: p.Ile397Val; replaces isoleucine 397 with valine.
Molecular consequence: missense variant.
Genome position (GRCh38, 1-based): chr14:22,774,410, T>C on the plus strand (A>G on the coding strand, the complement: SLC7A7 is on the minus strand). VCF-style: chr14-22774410-T-C. GRCh37 (hg19) VCF-style: chr14-23243619-T-C.
Other names: c.1189A>G, p.Ile397Val (NM_001126105.3, NM_001126106.4); short protein forms I397V.
Identifiers: ClinVar variation 580507 (VCV000580507.5), dbSNP rs756936473, ClinGen allele CA7104466.
Genomic context (GRCh38, chr14:22,774,410, plus strand): 5'-TTACCTTGAGGGGACGAGGTCGATCAGGCTCCTTCCAGCGCAGATAAAGCTGACCCACAA[T>C]AGAAAGCCCCACAAAGAACCAGTAGCTGAAGCTGTAGTAGTTAATGAGCTGGAAGATGTC-3'
Protein context (NP_003973.3, residues 387-407): FSYWFFVGLS[Ile397Val]VGQLYLRWKE